The following is an entry in ClinVar:

NM_001122681.2(SH3BP2):c.1280C>T (p.Ser427Phe)

Gene: SH3BP2 (SH3 domain binding protein 2; plus strand). Cytogenetic location: 4p16.3.
Variant type: single nucleotide variant.
Coding change: c.1280C>T on transcript NM_001122681.2 (MANE Select); coding-DNA position 1280, C replaced by T.
Protein change: p.Ser427Phe; replaces serine 427 with phenylalanine.
Molecular consequence: missense variant.
Genome position (GRCh38, 1-based): chr4:2,831,609, C>T. VCF-style: chr4-2831609-C-T. GRCh37 (hg19) VCF-style: chr4-2833336-C-T.
Other names: c.1364C>T, p.Ser455Phe (NM_001145855.2); c.1451C>T, p.Ser484Phe (NM_001145856.2); c.1280C>T, p.Ser427Phe (NM_003023.4); short protein forms S455F, S484F, S427F.
Identifiers: ClinVar variation 4739538 (VCV004739538.1).
Genomic context (GRCh38, chr4:2,831,609, plus strand): 5'-CTTCCTCTCCCTGCCCCTCCAGGCGATCACCCCCCGATGGGCAGAGTTTCAGGAGCTTCT[C>T]CTTTGAAAAGCCCCGGCAACCCTCACAGGCTGACACTGGCGGGGACGACTCGGACGAGGA-3'
Protein context (NP_001116153.1, residues 417-437): PPDGQSFRSF[Ser427Phe]FEKPRQPSQA

ClinVar aggregate classification (germline): Uncertain significance (1 of 4 stars; one submission).

Conditions:
Fibrous dysplasia of jaw (CRBM). Also called: Cherubism. Identifiers: Orphanet 184, MedGen C0008029, MONDO:0007315, OMIM 118400.

gnomAD v4.1: 47 of 1,601,710 alleles (0.0029%); highest among the groups gnomAD compares: South Asian, 0.046%; no homozygotes.

Submission:

Labcorp Genetics (formerly Invitae), Labcorp
Classification: Uncertain significance for Fibrous dysplasia of jaw. Last evaluated: 2025-05-23. Review status: criteria provided, single submitter. Criteria: Invitae Variant Classification Sherloc (09022015). Collection method: clinical testing. Allele origin: germline.
Comment: This sequence change replaces serine, which is neutral and polar, with phenylalanine, which is neutral and non-polar, at codon 427 of the SH3BP2 protein (p.Ser427Phe). This variant is present in population databases (rs758128786, gnomAD 0.03%). This variant has not been reported in the literature in individuals affected with SH3BP2-related conditions. Invitae Evidence Modeling of protein sequence and biophysical properties (such as structural, functional, and spatial information, amino acid conservation, physicochemical variation, residue mobility, and thermodynamic stability) indicates that this missense variant is not expected to disrupt SH3BP2 protein function with a negative predictive value of 80%. In summary, the available evidence is currently insufficient to determine the role of this variant in disease. Therefore, it has been classified as a Variant of Uncertain Significance.